The following is an entry in ClinVar:

NM_001040142.2(SCN2A):c.876C>A (p.Ile292=)

Gene: SCN2A (sodium voltage-gated channel alpha subunit 2; plus strand). Cytogenetic location: 2q24.3.
Variant type: single nucleotide variant.
Coding change: c.876C>A on transcript NM_001040142.2 (MANE Select); coding-DNA position 876, C replaced by A.
Protein change: p.Ile292=; no amino-acid change (isoleucine 292 retained).
Molecular consequence: synonymous variant.
Genome position (GRCh38, 1-based): chr2:165,310,501, C>A. VCF-style: chr2-165310501-C-A. GRCh37 (hg19) VCF-style: chr2-166167011-C-A.
Other names: c.876C>A (NM_021007.2); c.876C>A, p.Ile292= (NM_001040143.2, NM_001371246.1, NM_001371247.1 and 1 more transcripts).
Identifiers: ClinVar variation 2070623 (VCV002070623.5), dbSNP rs1441780812, ClinGen allele CA429972174.
Genomic context (GRCh38, chr2:165,310,501, plus strand): 5'-CAACCTACGAAATAAATGTTTGCAATGGCCTCCAGATAATTCTTCCTTTGAAATAAATAT[C>A]ACTTCCTTCTTTAACAATTCATTGGATGGGAATGGTACTACTTTCAATAGGACAGTGAGC-3'
Protein context (NP_001035232.1, residues 282-302): PPDNSSFEIN[Ile292=]TSFFNNSLDG

ClinVar aggregate classification (germline): Likely benign. Review status: criteria provided, multiple submitters, no conflicts (2 of 4 stars). 2 submissions from 2 submitters: Likely benign (2). Last evaluated 2025-12-11.

Conditions:
SCN2A-related disorder. Also called: SCN2A-related condition; SCN2A-related disorders. Identifiers: MedGen CN382226, MONDO:1060245.
Seizures, benign familial infantile, 3 (BFIS3). Also called: CONVULSIONS, BENIGN FAMILIAL INFANTILE, 3; Familial neonatal seizures. Identifiers: Orphanet 140927, Orphanet 306, MedGen C1843140, MONDO:0011904, OMIM 607745.
Developmental and epileptic encephalopathy, 11 (DEE11). Also called: Early infantile epileptic encephalopathy 11. Identifiers: Orphanet 1934, MedGen C3150987, MONDO:0013388, OMIM 613721.

Allele frequency attached by ClinVar (database versions not stated): gnomAD exomes below 0.00001; TOPMed below 0.00001; gnomAD 0.00001.
gnomAD v4.1: 3 of 1,613,270 alleles (0.00019%); highest among the groups gnomAD compares: Admixed American, 0.005%; no homozygotes.

Submissions (2):

PreventionGenetics, part of Exact Sciences
Classification: Likely benign for SCN2A-related condition. Last evaluated: 2025-12-11. Review status: criteria provided, single submitter. Criteria: ACMG Guidelines, 2015. Collection method: clinical testing. Allele origin: germline.
Comment: This variant is classified as likely benign based on ACMG/AMP sequence variant interpretation guidelines (Richards et al. 2015 PMID: 25741868, with internal and published modifications).

Labcorp Genetics (formerly Invitae), Labcorp
Classification: Likely benign for Seizures, benign familial infantile, 3; Developmental and epileptic encephalopathy, 11. Last evaluated: 2024-12-10. Review status: criteria provided, single submitter. Criteria: Invitae Variant Classification Sherloc (09022015). Collection method: clinical testing. Allele origin: germline.